The following is an entry in ClinVar:

ClinVar aggregate classification (germline): Uncertain significance (1 of 4 stars; one submission).

Conditions:
RNU4ATAC spectrum disorder. Also called: RNU4atac-opathy. Identifiers: MedGen CN377746, MONDO:0100558.

gnomAD v4.1: 2 of 700,188 alleles (0.00029%); highest among the groups gnomAD compares: East Asian, 0.0054%; no homozygotes.

Submission:

Broad Center for Mendelian Genomics, Broad Institute of MIT and Harvard
Classification: Uncertain significance for RNU4ATAC spectrum disorder. Last evaluated: 2025-08-25. Review status: criteria provided, single submitter. Criteria: Ellingford et al. (Genome Med. 2022). Collection method: curation. Allele origin: germline. Inheritance: Autosomal recessive inheritance.
Comment: Trio exome analysis revealed that this variant was in trans with the likely pathogenic variant. The variant has not been previously reported in the literature in individuals with RNU4ATAC spectrum disorder, but has been identified in 0.005% (2/37276) of East Asian chromosomes by the Genome Aggregation Database (gnomAD). Although this variant has been seen in the general population in a heterozygous state, its frequency is low enough to be consistent with a recessive carrier frequency. The n.124G>C variant is located in the Sm protein binding region of RNU4ATAC where several other variants have been identified, suggesting that this variant is in a functional domain and supports pathogenicity (PMID: 26522830, 32628740). In summary, while there is some suspicion for a pathogenic role, the clinical significance of this variant is uncertain. ACMG/AMP Criteria applied: PM1, PM3, PM2_supporting (Richards 2015).

NR_023343.3(RNU4ATAC):n.124G>C

Genes: CLASP1 (cytoplasmic linker associated protein 1; minus strand), CLASP1-AS1 (CLASP1 antisense RNA 1; plus strand), RNU4ATAC (RNA, U4atac small nuclear; plus strand). Cytogenetic location: 2q14.2.
Variant type: single nucleotide variant.
Molecular consequence: non-coding transcript variant (on NR_023343.3). On other transcripts: intron variant (8).
Genome position: GRCh38 VCF-style: chr2-121531003-G-C. GRCh37 (hg19) VCF-style: chr2-122288579-G-C.
Other names: NM_001395891.1:c.196-678C>G; c.196-678C>G (NM_001142274.2, NM_015282.3, NM_001378003.1 and 5 more transcripts).
Identifiers: ClinVar variation 4082369 (VCV004082369.1).